The following is an entry in ClinVar:

ClinVar aggregate classification (germline): Uncertain significance (1 of 4 stars; one submission).

Conditions:
Autosomal dominant childhood-onset proximal spinal muscular atrophy with contractures (SMALED2A). Also called: SPINAL MUSCULAR ATROPHY, LOWER EXTREMITY-PREDOMINANT, 2A, CHILDHOOD ONSET, AUTOSOMAL DOMINANT; Spinal muscular atrophy, lower extremity-predominant, 2A, autosomal dominant. Identifiers: Orphanet 363447, Orphanet 363454, MedGen C4747715, MONDO:0014121, OMIM 615290.

gnomAD v4.1: 1 of 1,614,178 alleles (0.000062%); highest among the groups gnomAD compares: Non-Finnish European, 0.000085%; no homozygotes.

Submission:

Labcorp Genetics (formerly Invitae), Labcorp
Classification: Uncertain significance for Autosomal dominant childhood-onset proximal spinal muscular atrophy with contractures. Last evaluated: 2026-01-08. Review status: criteria provided, single submitter. Criteria: Invitae Variant Classification Sherloc (09022015). Collection method: clinical testing. Allele origin: germline.
Comment: This sequence change replaces glutamic acid, which is acidic and polar, with aspartic acid, which is acidic and polar, at codon 227 of the BICD2 protein (p.Glu227Asp). This variant is not present in population databases (gnomAD no frequency). This variant has not been reported in the literature in individuals affected with BICD2-related conditions. ClinVar contains an entry for this variant (Variation ID: 2855371). Invitae Evidence Modeling of protein sequence and biophysical properties (such as structural, functional, and spatial information, amino acid conservation, physicochemical variation, residue mobility, and thermodynamic stability) indicates that this missense variant is not expected to disrupt BICD2 protein function with a negative predictive value of 80%. In summary, the available evidence is currently insufficient to determine the role of this variant in disease. Therefore, it has been classified as a Variant of Uncertain Significance.

NM_001003800.2(BICD2):c.681G>T (p.Glu227Asp)

Gene: BICD2 (BICD cargo adaptor 2; minus strand). Cytogenetic location: 9q22.31.
Variant type: single nucleotide variant.
Coding change: c.681G>T on transcript NM_001003800.2 (MANE Select); coding-DNA position 681, G replaced by T.
Protein change: p.Glu227Asp; replaces glutamic acid 227 with aspartic acid.
Molecular consequence: missense variant.
Genome position (GRCh38, 1-based): chr9:92,720,681, C>A on the plus strand (G>T on the coding strand, the complement: BICD2 is on the minus strand). VCF-style: chr9-92720681-C-A. GRCh37 (hg19) VCF-style: chr9-95482963-C-A.
Other names: c.681G>T, p.Glu227Asp (NM_015250.4); short protein forms E227D.
Identifiers: ClinVar variation 2855371 (VCV002855371.3), dbSNP rs1853447095, ClinGen allele CA374044114.